The following is an entry in ClinVar:

NM_004958.4(MTOR):c.6329G>A (p.Arg2110Gln)

Gene: MTOR (mechanistic target of rapamycin kinase; minus strand). Cytogenetic location: 1p36.22.
Variant type: single nucleotide variant.
Coding change: c.6329G>A on transcript NM_004958.4 (MANE Select); coding-DNA position 6329, G replaced by A.
Protein change: p.Arg2110Gln; replaces arginine 2110 with glutamine.
Molecular consequence: missense variant.
Genome position (GRCh38, 1-based): chr1:11,127,032, C>T on the plus strand (G>A on the coding strand, the complement: MTOR is on the minus strand). VCF-style: chr1-11127032-C-T. GRCh37 (hg19) VCF-style: chr1-11187089-C-T.
Other names: short protein forms R2110Q.
Identifiers: ClinVar variation 623675 (VCV000623675.52), dbSNP rs1182513423, ClinGen allele CA338391514.
Genomic context (GRCh38, chr1:11,127,032, plus strand): 5'-AATGACAGTTAACCCTGCCAGGAGCCTGAAGATCCTACCTGAGGCAGCTGCTTTGAGATT[C>T]GTCGGAACACATGATAATAGAGGTCCCAGGCTTGGGTGAGGTCCTTGACATTCCCTGATT-3'
Protein context (NP_004949.1, residues 2100-2120): AWDLYYHVFR[Arg2110Gln]ISKQLPQLTS

ClinVar aggregate classification (germline): Uncertain significance. Review status: criteria provided, multiple submitters, no conflicts (2 of 4 stars). 3 submissions from 3 submitters: Uncertain significance (3). Last evaluated 2021-07-17.

Conditions:
Inborn genetic diseases. Identifiers: MedGen C0950123, MeSH D030342.

Allele frequency attached by ClinVar (database versions not stated): TOPMed below 0.00001; gnomAD 0.00001.
gnomAD v4.1: 3 of 1,614,010 alleles (0.00019%); highest among the groups gnomAD compares: Non-Finnish European, 0.00025%; no homozygotes.

Submissions (3):

Labcorp Genetics (formerly Invitae), Labcorp
Classification: Uncertain significance. Last evaluated: 2021-07-17. Review status: criteria provided, single submitter. Criteria: Invitae Variant Classification Sherloc (09022015). Collection method: clinical testing. Allele origin: germline.
Comment: Algorithms developed to predict the effect of missense changes on protein structure and function are either unavailable or do not agree on the potential impact of this missense change (SIFT: "Tolerated"; PolyPhen-2: "Probably Damaging"; Align-GVGD: "Class C0"). In summary, the available evidence is currently insufficient to determine the role of this variant in disease. Therefore, it has been classified as a Variant of Uncertain Significance. This variant has not been reported in the literature in individuals with MTOR-related conditions. ClinVar contains an entry for this variant (Variation ID: 623675). This sequence change replaces arginine with glutamine at codon 2110 of the MTOR protein (p.Arg2110Gln). The arginine residue is moderately conserved and there is a small physicochemical difference between arginine and glutamine. This variant is not present in population databases (ExAC no frequency).

Ambry Genetics
Classification: Uncertain significance for Inborn genetic diseases. Last evaluated: 2018-12-10. Review status: criteria provided, single submitter. Criteria: Ambry exome assertion method (8-5-2015). Collection method: clinical testing. Allele origin: germline. Affected: yes. Observed: 1 variant allele.

CeGaT Center for Human Genetics Tuebingen
Classification: Uncertain significance. Last evaluated: 2018-07-01. Review status: criteria provided, single submitter. Criteria: CeGaT Center For Human Genetics Tuebingen Variant Classification Criteria Version 2. Collection method: clinical testing. Allele origin: germline. Affected: yes. Observed: 1 variant allele.